The following is an entry in ClinVar:

ClinVar aggregate classification (germline): Uncertain significance. Review status: criteria provided, multiple submitters, no conflicts (2 of 4 stars). 2 submissions from 2 submitters: Uncertain significance (2). Last evaluated 2025-06-08.

Conditions:
Hereditary cancer-predisposing syndrome. Also called: Neoplastic Syndromes, Hereditary; Tumor predisposition; Hereditary Cancer Syndrome; Hereditary neoplastic syndrome. Identifiers: Orphanet 140162, MedGen C0027672, MeSH D009386, MONDO:0015356.
Retinoblastoma (RB1). Also called: RETINOBLASTOMA, SOMATIC. Identifiers: Orphanet 790, MedGen C0035335, MeSH D012175, MONDO:0008380, OMIM 180200, HP:0009919. Disease mechanism: loss of function. Inheritance: Both sporadic and heritable forms are tested..

Submissions (2):

Labcorp Genetics (formerly Invitae), Labcorp
Classification: Uncertain significance for Retinoblastoma. Last evaluated: 2025-06-08. Review status: criteria provided, single submitter. Criteria: Invitae Variant Classification Sherloc (09022015). Collection method: clinical testing. Allele origin: germline.
Comment: This sequence change replaces glycine, which is neutral and non-polar, with aspartic acid, which is acidic and polar, at codon 540 of the RB1 protein (p.Gly540Asp). This variant is not present in population databases (gnomAD no frequency). This variant has not been reported in the literature in individuals affected with RB1-related conditions. ClinVar contains an entry for this variant (Variation ID: 1776555). Invitae Evidence Modeling of protein sequence and biophysical properties (such as structural, functional, and spatial information, amino acid conservation, physicochemical variation, residue mobility, and thermodynamic stability) indicates that this missense variant is not expected to disrupt RB1 protein function with a negative predictive value of 80%. In summary, the available evidence is currently insufficient to determine the role of this variant in disease. Therefore, it has been classified as a Variant of Uncertain Significance.

Ambry Genetics
Classification: Uncertain significance for Hereditary cancer-predisposing syndrome. Last evaluated: 2022-04-19. Review status: criteria provided, single submitter. Criteria: Ambry Variant Classification Scheme 2023. Collection method: clinical testing. Allele origin: germline.
Comment: The p.G540D variant (also known as c.1619G>A), located in coding exon 17 of the RB1 gene, results from a G to A substitution at nucleotide position 1619. The glycine at codon 540 is replaced by aspartic acid, an amino acid with similar properties. This amino acid position is conserved. In addition, this alteration is predicted to be tolerated by in silico analysis. Since supporting evidence is limited at this time, the clinical significance of this alteration remains unclear.

NM_000321.3(RB1):c.1619G>A (p.Gly540Asp)

Gene: RB1 (RB transcriptional corepressor 1; plus strand). Cytogenetic location: 13q14.2.
Variant type: single nucleotide variant.
Coding change: c.1619G>A on transcript NM_000321.3 (MANE Select); coding-DNA position 1619, G replaced by A.
Protein change: p.Gly540Asp; replaces glycine 540 with aspartic acid.
Molecular consequence: missense variant.
Genome position (GRCh38, 1-based): chr13:48,381,367, G>A. VCF-style: chr13-48381367-G-A. GRCh37 (hg19) VCF-style: chr13-48955503-G-A.
Other names: c.1619G>A, p.Gly540Asp (NM_001407165.1, NM_001407166.1); short protein forms G540D.
Identifiers: ClinVar variation 1776555 (VCV001776555.6), dbSNP rs769696726, ClinGen allele CA388163787.